The following is an entry in ClinVar:

NM_182548.4(LHFPL5):c.526C>T (p.Arg176Cys)

Gene: LHFPL5 (LHFPL tetraspan subfamily member 5; plus strand). Cytogenetic location: 6p21.31.
Variant type: single nucleotide variant.
Coding change: c.526C>T on transcript NM_182548.4 (MANE Select); coding-DNA position 526, C replaced by T.
Protein change: p.Arg176Cys; replaces arginine 176 with cysteine.
Molecular consequence: missense variant.
Genome position (GRCh38, 1-based): chr6:35,814,659, C>T. VCF-style: chr6-35814659-C-T. GRCh37 (hg19) VCF-style: chr6-35782436-C-T.
Other names: short protein forms R176C.
Identifiers: ClinVar variation 3340152 (VCV003340152.1).

ClinVar aggregate classification (germline): Likely pathogenic (1 of 4 stars; one submission).

Conditions:
Hearing loss, autosomal recessive. Also called: Deafness, autosomal recessive; Autosomal recessive nonsyndromic deafness; Rare autosomal recessive non-syndromic sensorineural deafness type DFNB; Nonsyndromic Hearing Loss, Recessive. Identifiers: Orphanet 90635, Orphanet 90636, MedGen C1846647, MONDO:0019588, OMIM 607197.

Submission:

Laboratory of Human Genetics, Universidade de São Paulo
Classification: Likely pathogenic for Hearing loss, autosomal recessive. Last evaluated: 2024-05-01. Review status: criteria provided, single submitter. Criteria: ClinGen HL ACMG Specifications v1. Collection method: research. Allele origin: biparental. Affected: yes. Observed: 2 variant alleles.
Comment: The LHFPL5:c.526C>T: p.Arg176Cys variant is non-truncating non-synonymous variant is located in a mutational hotspot and/or critical and well-established functional domain (PM1), Extremely low frequency in gnomAD population databases (PM2),, For recessive disorders, detected in trans with a pathogenic variant, or in a homozygous or compound heterozygous state in affected cases (PM3), Different amino acid change as a known pathogenic variant (PM5), Cosegregation with disease in multiple affected family members in a gene definitively known to cause the disease (PP1), computational prediction tools unanimously support a deleterious effect on the gene (PP3). In our case, it was detected in homozygosis in two affected siblings born from unrelated heterozygous parents.